The following is an entry in ClinVar:

NM_001034116.2(EIF2B4):c.1191+2T>C

Genes: EIF2B4 (eukaryotic translation initiation factor 2B subunit delta; minus strand), GTF3C2-AS2 (GTF3C2 antisense RNA 2; plus strand). Cytogenetic location: 2p23.3.
Variant type: single nucleotide variant.
Coding change: c.1191+2T>C on transcript NM_001034116.2 (MANE Select); the canonical splice donor site of the intron after coding-DNA position 1191, T replaced by C.
Molecular consequence: splice donor variant.
Genome position (GRCh38, 1-based): chr2:27,366,757, A>G on the plus strand (T>C on the coding strand, the complement: EIF2B4 is on the minus strand). VCF-style: chr2-27366757-A-G. GRCh37 (hg19) VCF-style: chr2-27589624-A-G.
Other names: c.1098+2T>C (NM_001318967.2); c.1188+2T>C (NM_015636.4); c.573+2T>C (NM_001318969.2); c.1146+2T>C (NM_001318966.2); c.1251+2T>C (NM_172195.4); c.606+2T>C (NM_001318968.2); c.1254+2T>C (NM_001318965.2).
Identifiers: ClinVar variation 591053 (VCV000591053.4), dbSNP rs751867352, ClinGen allele CA1576641.

ClinVar aggregate classification (germline): Likely pathogenic. Review status: criteria provided, single submitter (1 of 4 stars). 2 submissions from 2 submitters: Likely pathogenic (1). 1 of the submissions does not count toward it. Last evaluated 2024-01-11.

Allele frequency attached by ClinVar (database versions not stated): gnomAD exomes below 0.00001 and 0.00001; ExAC 0.00002.

Submissions (2):

Labcorp Genetics (formerly Invitae), Labcorp
Classification: Likely pathogenic. Last evaluated: 2024-01-11. Review status: criteria provided, single submitter. Criteria: Invitae Variant Classification Sherloc (09022015). Collection method: clinical testing. Allele origin: germline.
Comment: This sequence change affects a donor splice site in intron 11 of the EIF2B4 gene. It is expected to disrupt RNA splicing. Variants that disrupt the donor or acceptor splice site typically lead to a loss of protein function (PMID: 16199547), and loss-of-function variants in EIF2B4 are known to be pathogenic (PMID: 11835386, 15776425, 16807905). This variant is present in population databases (rs751867352, gnomAD 0.006%). This variant has not been reported in the literature in individuals affected with EIF2B4-related conditions. ClinVar contains an entry for this variant (Variation ID: 591053). Algorithms developed to predict the effect of sequence changes on RNA splicing suggest that this variant may disrupt the consensus splice site. In summary, the currently available evidence indicates that the variant is pathogenic, but additional data are needed to prove that conclusively. Therefore, this variant has been classified as Likely Pathogenic.

Gharavi Laboratory, Columbia University
Classification: Uncertain significance. Last evaluated: 2018-09-16. Review status: no assertion criteria provided. Criteria: ACMG Guidelines, 2015. Collection method: research. Allele origin: germline. Affected: yes. Not counted in ClinVar's aggregate classification.

Literature cited by the submitters: PubMed 16199547 (cited by Labcorp Genetics (formerly Invitae), Labcorp); PubMed 11835386 (cited by Labcorp Genetics (formerly Invitae), Labcorp); PubMed 15776425 (cited by Labcorp Genetics (formerly Invitae), Labcorp); PubMed 16807905 (cited by Labcorp Genetics (formerly Invitae), Labcorp).